The following is an entry in ClinVar:

NM_000321.3(RB1):c.788T>G (p.Ile263Arg)

Gene: RB1 (RB transcriptional corepressor 1; plus strand). Cytogenetic location: 13q14.2.
Variant type: single nucleotide variant.
Coding change: c.788T>G on transcript NM_000321.3 (MANE Select); coding-DNA position 788, T replaced by G.
Protein change: p.Ile263Arg; replaces isoleucine 263 with arginine.
Molecular consequence: missense variant.
Genome position (GRCh38, 1-based): chr13:48,362,884, T>G. VCF-style: chr13-48362884-T-G. GRCh37 (hg19) VCF-style: chr13-48937020-T-G.
Other names: c.788T>G, p.Ile263Arg (NM_001407165.1, NM_001407166.1); short protein forms I263R.
Identifiers: ClinVar variation 2450496 (VCV002450496.2), dbSNP rs2138112463, ClinGen allele CA388159439.

ClinVar aggregate classification (germline): Uncertain significance (1 of 4 stars; one submission).

Conditions:
Hereditary cancer-predisposing syndrome. Also called: Neoplastic Syndromes, Hereditary; Tumor predisposition; Hereditary neoplastic syndrome; Hereditary Cancer Syndrome. Identifiers: Orphanet 140162, MedGen C0027672, MeSH D009386, MONDO:0015356.

Submission:

Ambry Genetics
Classification: Uncertain significance for Hereditary cancer-predisposing syndrome. Last evaluated: 2022-11-18. Review status: criteria provided, single submitter. Criteria: Ambry Variant Classification Scheme 2023. Collection method: clinical testing. Allele origin: germline.
Comment: The p.I263R variant (also known as c.788T>G), located in coding exon 8 of the RB1 gene, results from a T to G substitution at nucleotide position 788. The isoleucine at codon 263 is replaced by arginine, an amino acid with similar properties. This amino acid position is conserved. In addition, the in silico prediction for this alteration is inconclusive. Since supporting evidence is limited at this time, the clinical significance of this alteration remains unclear.